The following is an entry in ClinVar:

NM_001365999.1(SZT2):c.7916G>T (p.Ser2639Ile)

Gene: SZT2 (SZT2 subunit of KICSTOR complex; plus strand). Cytogenetic location: 1p34.2.
Variant type: single nucleotide variant.
Coding change: c.7916G>T on transcript NM_001365999.1 (MANE Select); coding-DNA position 7916, G replaced by T.
Protein change: p.Ser2639Ile; replaces serine 2639 with isoleucine.
Molecular consequence: missense variant.
Genome position (GRCh38, 1-based): chr1:43,442,310, G>T. VCF-style: chr1-43442310-G-T. GRCh37 (hg19) VCF-style: chr1-43907981-G-T.
Other names: c.7745G>T, p.Ser2582Ile (NM_015284.4); short protein forms S2582I, S2639I.
Identifiers: ClinVar variation 1029534 (VCV001029534.1), dbSNP rs1655152526, ClinGen allele CA340037125.

ClinVar aggregate classification (germline): Uncertain significance (1 of 4 stars; one submission).

Conditions:
Developmental and epileptic encephalopathy, 18 (DEE18). Also called: Early infantile epileptic encephalopathy 18. Identifiers: Orphanet 369894, MedGen C3809624, MONDO:0014201, OMIM 615476.

Submission:

Baylor Genetics
Classification: Uncertain significance for Developmental and epileptic encephalopathy, 18. Last evaluated: 2020-04-15. Review status: criteria provided, single submitter. Criteria: ACMG Guidelines, 2015. Collection method: clinical testing. Allele origin: unknown. Affected: yes.
Comment: This variant was determined to be of uncertain significance according to ACMG Guidelines, 2015 [PMID:25741868].